The following is an entry in ClinVar:

NM_018100.4(EFHC1):c.1310G>A (p.Arg437Lys)

Gene: EFHC1 (EF-hand domain containing 1; plus strand). Cytogenetic location: 6p12.2.
Variant type: single nucleotide variant.
Coding change: c.1310G>A on transcript NM_018100.4 (MANE Select); coding-DNA position 1310, G replaced by A.
Protein change: p.Arg437Lys; replaces arginine 437 with lysine.
Molecular consequence: missense variant. On other transcripts: non-coding transcript variant (1).
Genome position (GRCh38, 1-based): chr6:52,479,068, G>A. VCF-style: chr6-52479068-G-A. GRCh37 (hg19) VCF-style: chr6-52343866-G-A.
Other names: c.1253G>A, p.Arg418Lys (NM_001172420.2); short protein forms R437K, R418K.
Identifiers: ClinVar variation 943500 (VCV000943500.11), dbSNP rs761440315, ClinGen allele CA3856060.

ClinVar aggregate classification (germline): Uncertain significance (1 of 4 stars; one submission).

Conditions:
Myoclonic epilepsy, juvenile, susceptibility to, 1. Also called: Myoclonic Epilepsy, Juvenile, 1; EJM1. Identifiers: MedGen C1850778, MONDO:0020752, OMIM 254770.
Absence seizure. Also called: Absence epilepsy. Identifiers: Orphanet 1941, MedGen C0014553.

Allele frequency attached by ClinVar (database versions not stated): ExAC 0.00001; gnomAD exomes 0.00001 and 0.00002.
gnomAD v4.1: 16 of 1,614,008 alleles (0.00099%); highest among the groups gnomAD compares: South Asian, 0.018%; 1 homozygote.

Submission:

Labcorp Genetics (formerly Invitae), Labcorp
Classification: Uncertain significance for Myoclonic epilepsy, juvenile, susceptibility to, 1; Absence seizure. Last evaluated: 2023-07-17. Review status: criteria provided, single submitter. Criteria: Invitae Variant Classification Sherloc (09022015). Collection method: clinical testing. Allele origin: germline.
Comment: This variant has not been reported in the literature in individuals affected with EFHC1-related conditions. This variant is present in population databases (rs761440315, gnomAD 0.02%). ClinVar contains an entry for this variant (Variation ID: 943500). Advanced modeling of protein sequence and biophysical properties (such as structural, functional, and spatial information, amino acid conservation, physicochemical variation, residue mobility, and thermodynamic stability) performed at Invitae indicates that this missense variant is not expected to disrupt EFHC1 protein function. This sequence change replaces arginine, which is basic and polar, with lysine, which is basic and polar, at codon 437 of the EFHC1 protein (p.Arg437Lys). In summary, the available evidence is currently insufficient to determine the role of this variant in disease. Therefore, it has been classified as a Variant of Uncertain Significance.